The following is an entry in ClinVar:

NM_177438.3(DICER1):c.3657T>G (p.Ile1219Met)

Gene: DICER1 (dicer 1, ribonuclease III; minus strand). Cytogenetic location: 14q32.13.
Variant type: single nucleotide variant.
Coding change: c.3657T>G on transcript NM_177438.3 (MANE Select); coding-DNA position 3657, T replaced by G.
Protein change: p.Ile1219Met; replaces isoleucine 1219 with methionine.
Molecular consequence: missense variant. On other transcripts: non-coding transcript variant (6).
Genome position (GRCh38, 1-based): chr14:95,103,739, A>C on the plus strand (T>G on the coding strand, the complement: DICER1 is on the minus strand). VCF-style: chr14-95103739-A-C. GRCh37 (hg19) VCF-style: chr14-95570076-A-C.
Other names: c.3657T>G, p.Ile1219Met (NM_001395679.1, NM_001395680.1, NM_001395682.1 and 12 more transcripts); c.3375T>G, p.Ile1125Met (NM_001395686.1); c.3252T>G, p.Ile1084Met (NM_001395687.1, NM_001395688.1, NM_001395689.1 and 2 more transcripts); c.3090T>G, p.Ile1030Met (NM_001395691.1); c.1974T>G, p.Ile658Met (NM_001395697.1); short protein forms I1030M, I1084M, I1125M, I1219M, I658M.
Identifiers: ClinVar variation 4826960 (VCV004826960.1).

ClinVar aggregate classification (germline): Uncertain significance (1 of 4 stars; one submission).

Conditions:
Hereditary cancer-predisposing syndrome. Also called: Neoplastic Syndromes, Hereditary; Tumor predisposition; Hereditary Cancer Syndrome; Hereditary neoplastic syndrome. Identifiers: Orphanet 140162, MedGen C0027672, MeSH D009386, MONDO:0015356.

Submission:

Ambry Genetics
Classification: Uncertain significance for Hereditary cancer-predisposing syndrome. Last evaluated: 2026-02-28. Review status: criteria provided, single submitter. Criteria: Ambry Variant Classification Scheme 2023. Collection method: clinical testing. Allele origin: germline.
Comment: The p.I1219M variant (also known as c.3657T>G), located in coding exon 20 of the DICER1 gene, results from a T to G substitution at nucleotide position 3657. The isoleucine at codon 1219 is replaced by methionine, an amino acid with highly similar properties. This amino acid position is conserved. In addition, this alteration is predicted to be tolerated by in silico analysis. Based on the available evidence, the clinical significance of this variant remains unclear.